The following is an entry in ClinVar:

ClinVar aggregate classification (germline): Benign/Likely benign. Review status: criteria provided, multiple submitters, no conflicts (2 of 4 stars). 3 submissions from 3 submitters: Benign (1); Likely benign (1). 1 of the submissions does not count toward it. Last evaluated 2026-01-21.

Conditions:
ANLN-related disorder. Also called: ANLN-related condition.

Allele frequency attached by ClinVar (database versions not stated): gnomAD exomes 0.00031 and 0.00080; gnomAD 0.00073 and 0.00089; ExAC 0.00092; TOPMed 0.00099; 1000 Genomes Project 30x 0.00312; 1000 Genomes Project 0.00639.
gnomAD v4.1: 620 of 1,612,376 alleles (0.038%); highest among the groups gnomAD compares: East Asian, 0.82%; 2 homozygotes.

Submissions (3):

Labcorp Genetics (formerly Invitae), Labcorp
Classification: Benign. Last evaluated: 2026-01-21. Review status: criteria provided, single submitter. Criteria: Invitae Variant Classification Sherloc (09022015). Collection method: clinical testing. Allele origin: germline.

Blueprint Genetics
Classification: Likely benign. Last evaluated: 2024-10-24. Review status: criteria provided, single submitter. Criteria: ACMG Guidelines, 2015. Collection method: clinical testing. Allele origin: germline.

PreventionGenetics, part of Exact Sciences
Classification: Benign for ANLN-related condition. Last evaluated: 2020-01-08. Review status: no assertion criteria provided. Collection method: clinical testing. Allele origin: germline. Not counted in ClinVar's aggregate classification.
Comment: This variant is classified as benign based on ACMG/AMP sequence variant interpretation guidelines (Richards et al. 2015 PMID: 25741868, with internal and published modifications).

NM_018685.5(ANLN):c.2521G>A (p.Glu841Lys)

Gene: ANLN (anillin, actin binding protein; plus strand). Cytogenetic location: 7p14.2.
Variant type: single nucleotide variant.
Coding change: c.2521G>A on transcript NM_018685.5 (MANE Select); coding-DNA position 2521, G replaced by A.
Protein change: p.Glu841Lys; replaces glutamic acid 841 with lysine.
Molecular consequence: missense variant.
Genome position (GRCh38, 1-based): chr7:36,423,861, G>A. VCF-style: chr7-36423861-G-A. GRCh37 (hg19) VCF-style: chr7-36463470-G-A.
Other names: c.2521G>A (NM_018685.4); c.2410G>A, p.Glu804Lys (NM_001284301.3); c.2407G>A, p.Glu803Lys (NM_001284302.3); short protein forms E803K, E804K, E841K.
Identifiers: ClinVar variation 1583311 (VCV001583311.11), dbSNP rs200824984, ClinGen allele CA4219886.